The following is an entry in ClinVar:

NM_004522.2(KIF5C):c.-569G>A

Gene: KIF5C (kinesin family member 5C; plus strand). Cytogenetic location: 2q23.1.
Variant type: single nucleotide variant.
Coding change: c.-569G>A on transcript NM_004522.2; 569 bases upstream of the start codon, G replaced by A.
Genome position (GRCh38, 1-based): chr2:148,875,049, G>A. VCF-style: chr2-148875049-G-A. GRCh37 (hg19) VCF-style: chr2-149632618-G-A.
Identifiers: ClinVar variation 672641 (VCV000672641.3), dbSNP rs28363955, ClinGen allele CA58270861.

ClinVar aggregate classification (germline): Likely benign (1 of 4 stars; one submission).

Allele frequency attached by ClinVar (database versions not stated): TOPMed 0.01022; gnomAD 0.00873; 1000 Genomes Project 30x 0.00874; 1000 Genomes Project 0.00998.

Submission:

GeneDx
Classification: Likely benign. Last evaluated: 2018-06-14. Review status: criteria provided, single submitter. Criteria: GeneDx Variant Classification (06012015). Collection method: clinical testing. Allele origin: germline. Affected: yes.
Comment: This variant is considered likely benign or benign based on one or more of the following criteria: it is a conservative change, it occurs at a poorly conserved position in the protein, it is predicted to be benign by multiple in silico algorithms, and/or has population frequency not consistent with disease.